The following is an entry in ClinVar:

ClinVar aggregate classification (germline): Pathogenic. Review status: criteria provided, multiple submitters, no conflicts (2 of 4 stars). 2 submissions from 2 submitters: Pathogenic (2). Last evaluated 2025-04-29.

Conditions:
Ataxia-telangiectasia syndrome (AT). Also called: Ataxia-telangiectasia, complementation group E; Ataxia telangiectasia (A-T); LOUIS-BAR SYNDROME; Ataxia-telangiectasia, complementation group D; AT, COMPLEMENTATION GROUP C; Ataxia-telangiectasia. Identifiers: Orphanet 100, MedGen C0004135, MONDO:0008840, OMIM 208900.
Familial cancer of breast. Also called: BREAST CANCER, FAMILIAL; hereditary breast carcinoma; Hereditary breast cancer. Identifiers: Orphanet 227535, MedGen C0346153, MONDO:0016419, OMIM 114480. Disease mechanism: loss of function.

Submissions (2):

Labcorp Genetics (formerly Invitae), Labcorp
Classification: Pathogenic for Ataxia-telangiectasia syndrome. Last evaluated: 2025-04-29. Review status: criteria provided, single submitter. Criteria: Invitae Variant Classification Sherloc (09022015). Collection method: clinical testing. Allele origin: germline.
Comment: This sequence change creates a premature translational stop signal (p.Glu1622Asnfs*11) in the ATM gene. It is expected to result in an absent or disrupted protein product. Loss-of-function variants in ATM are known to be pathogenic (PMID: 23807571, 25614872). This variant is not present in population databases (gnomAD no frequency). This variant has not been reported in the literature in individuals affected with ATM-related conditions. ClinVar contains an entry for this variant (Variation ID: 835796). For these reasons, this variant has been classified as Pathogenic.

Myriad Genetics, Inc.
Classification: Pathogenic for Familial cancer of breast. Last evaluated: 2024-01-25. Review status: criteria provided, single submitter. Criteria: Myriad Autosomal Dominant, Autosomal Recessive and X-Linked Classification Criteria (2023). Collection method: clinical testing. Allele origin: unknown.
Comment: This variant is considered pathogenic. This variant creates a frameshift predicted to result in premature protein truncation.

Literature cited by the submitters: PubMed 23807571 (cited by Labcorp Genetics (formerly Invitae), Labcorp); PubMed 25614872 (cited by Labcorp Genetics (formerly Invitae), Labcorp).

NM_000051.4(ATM):c.4864del (p.Glu1622fs)

Gene: ATM (ATM serine/threonine kinase; plus strand). Cytogenetic location: 11q22.3.
Variant type: Deletion.
Coding change: c.4864del on transcript NM_000051.4 (MANE Select); coding-DNA position 4864, one base deleted (G; older notation c.4864delG).
Protein change: p.Glu1622fs; shifts the reading frame from glutamic acid 1622.
Molecular consequence: frameshift variant.
Genome position (GRCh38, 1-based): chr11:108,295,014, G deleted; the last of 2 consecutive G bases (chr11:108,295,013-108,295,014); deleting either gives the same sequence. VCF-style (leftmost placement, unchanged base first): chr11-108295012-TG-T. GRCh37 (hg19) VCF-style: chr11-108165739-TG-T.
Other names: c.4864del, p.Glu1622fs (NM_001351834.2); short protein forms E1622fs.
Identifiers: ClinVar variation 835796 (VCV000835796.8), dbSNP rs2083042256, ClinGen allele CA916080483.